The following is an entry in ClinVar:

ClinVar aggregate classification (germline): Uncertain significance (1 of 4 stars; one submission).

Conditions:
Cardiovascular phenotype. Identifiers: MedGen CN230736.

Submission:

Ambry Genetics
Classification: Uncertain significance for Cardiovascular phenotype. Last evaluated: 2025-07-14. Review status: criteria provided, single submitter. Criteria: Ambry Variant Classification Scheme 2023. Collection method: clinical testing. Allele origin: germline.
Comment: The c.12+3G>A intronic variant results from a G to A substitution 3 nucleotides after coding exon 1 in the TMEM43 gene. This nucleotide position is well conserved in available vertebrate species. In silico splice site analysis predicts that this alteration will not have any significant effect on splicing. Based on the available evidence, the clinical significance of this variant remains unclear.

NM_024334.3(TMEM43):c.12+3G>A

Gene: TMEM43 (transmembrane protein 43; plus strand). Cytogenetic location: 3p25.1.
Variant type: single nucleotide variant.
Coding change: c.12+3G>A on transcript NM_024334.3 (MANE Select); 3 bases into the intron after coding-DNA position 12, G replaced by A.
Molecular consequence: intron variant.
Genome position (GRCh38, 1-based): chr3:14,125,208, G>A. VCF-style: chr3-14125208-G-A. GRCh37 (hg19) VCF-style: chr3-14166708-G-A.
Other names: c.12+3G>A (NM_001407274.1, NM_001407276.1, NM_001407275.1 and 4 more transcripts).
Identifiers: ClinVar variation 4187005 (VCV004187005.1).